The following is an entry in ClinVar:

ClinVar aggregate classification (germline): Uncertain significance (1 of 4 stars; one submission).

Allele frequency attached by ClinVar (database versions not stated): gnomAD exomes below 0.00001 and 0.00001; ExAC 0.00001; gnomAD 0.00002; TOPMed 0.00003.

Submission:

Labcorp Genetics (formerly Invitae), Labcorp
Classification: Uncertain significance. Last evaluated: 2024-10-17. Review status: criteria provided, single submitter. Criteria: Invitae Variant Classification Sherloc (09022015). Collection method: clinical testing. Allele origin: germline.
Comment: This sequence change replaces asparagine, which is neutral and polar, with serine, which is neutral and polar, at codon 302 of the EIF2B5 protein (p.Asn302Ser). This variant is present in population databases (rs746083041, gnomAD 0.003%). This variant has not been reported in the literature in individuals affected with EIF2B5-related conditions. ClinVar contains an entry for this variant (Variation ID: 1442746). Invitae Evidence Modeling of protein sequence and biophysical properties (such as structural, functional, and spatial information, amino acid conservation, physicochemical variation, residue mobility, and thermodynamic stability) indicates that this missense variant is not expected to disrupt EIF2B5 protein function with a negative predictive value of 80%. In summary, the available evidence is currently insufficient to determine the role of this variant in disease. Therefore, it has been classified as a Variant of Uncertain Significance.

NM_003907.3(EIF2B5):c.905A>G (p.Asn302Ser)

Gene: EIF2B5 (eukaryotic translation initiation factor 2B subunit epsilon; plus strand). Cytogenetic location: 3q27.1.
Variant type: single nucleotide variant.
Coding change: c.905A>G on transcript NM_003907.3 (MANE Select); coding-DNA position 905, A replaced by G.
Protein change: p.Asn302Ser; replaces asparagine 302 with serine.
Molecular consequence: missense variant.
Genome position (GRCh38, 1-based): chr3:184,140,479, A>G. VCF-style: chr3-184140479-A-G. GRCh37 (hg19) VCF-style: chr3-183858267-A-G.
Other names: short protein forms N302S.
Identifiers: ClinVar variation 1442746 (VCV001442746.5), dbSNP rs746083041, ClinGen allele CA2726548.